The following is an entry in ClinVar:

NM_019032.6(ADAMTSL4):c.1635del (p.Ser547fs)

Genes: ADAMTSL4 (ADAMTS like 4; plus strand), ADAMTSL4-AS2 (ADAMTSL4 antisense RNA 2; minus strand). Cytogenetic location: 1q21.2.
Variant type: Deletion.
Coding change: c.1635del on transcript NM_019032.6 (MANE Select); coding-DNA position 1635, one base deleted (T; older notation c.1635delT).
Protein change: p.Ser547fs; shifts the reading frame from serine 547.
Molecular consequence: frameshift variant. On other transcripts: non-coding transcript variant (2).
Genome position (GRCh38, 1-based): chr1:150,556,679, T deleted. VCF-style (leftmost placement, unchanged base first): chr1-150556678-CT-C. GRCh37 (hg19) VCF-style: chr1-150529154-CT-C.
Other names: c.1635del, p.Ser547fs (NM_025008.5, NM_001378596.1); c.1704del, p.Ser570fs (NM_001288607.2, NM_001288608.2); short protein forms S547fs, S570fs.
Identifiers: ClinVar variation 3627445 (VCV003627445.2).

ClinVar aggregate classification (germline): Pathogenic (1 of 4 stars; one submission).

Submission:

Labcorp Genetics (formerly Invitae), Labcorp
Classification: Pathogenic. Last evaluated: 2024-07-17. Review status: criteria provided, single submitter. Criteria: Invitae Variant Classification Sherloc (09022015). Collection method: clinical testing. Allele origin: germline.
Comment: This sequence change creates a premature translational stop signal (p.Ser547Profs*38) in the ADAMTSL4 gene. It is expected to result in an absent or disrupted protein product. Loss-of-function variants in ADAMTSL4 are known to be pathogenic (PMID: 20564469, 28642162). This variant is not present in population databases (gnomAD no frequency). This variant has not been reported in the literature in individuals affected with ADAMTSL4-related conditions. For these reasons, this variant has been classified as Pathogenic.

Literature cited by the submitters: PubMed 20564469; PubMed 28642162.